The following is an entry in ClinVar:

ClinVar aggregate classification (germline): Uncertain significance (1 of 4 stars; one submission).

Conditions:
Hereditary cancer-predisposing syndrome. Also called: Neoplastic Syndromes, Hereditary; Tumor predisposition; Hereditary neoplastic syndrome; Hereditary Cancer Syndrome. Identifiers: Orphanet 140162, MedGen C0027672, MeSH D009386, MONDO:0015356.

gnomAD v4.1: 1 of 1,454,708 alleles (0.000069%); highest among the groups gnomAD compares: Non-Finnish European, 0.000091%; no homozygotes.

Submission:

Ambry Genetics
Classification: Uncertain significance for Hereditary cancer-predisposing syndrome. Last evaluated: 2026-07-07. Review status: criteria provided, single submitter. Criteria: Ambry Variant Classification Scheme 2023. Collection method: clinical testing. Allele origin: germline.
Comment: The p.G267E variant (also known as c.800G>A), located in coding exon 3 of the PHOX2B gene, results from a G to A substitution at nucleotide position 800. The glycine at codon 267 is replaced by glutamic acid, an amino acid with similar properties. This amino acid position is conserved. In addition, the in silico prediction for this alteration is inconclusive. Based on the available evidence, the clinical significance of this variant remains unclear.

NM_003924.4(PHOX2B):c.800G>A (p.Gly267Glu)

Gene: PHOX2B (paired like homeobox 2B; minus strand). Cytogenetic location: 4p13.
Variant type: single nucleotide variant.
Coding change: c.800G>A on transcript NM_003924.4 (MANE Select); coding-DNA position 800, G replaced by A.
Protein change: p.Gly267Glu; replaces glycine 267 with glutamic acid.
Molecular consequence: missense variant.
Genome position (GRCh38, 1-based): chr4:41,745,952, C>T on the plus strand (G>A on the coding strand, the complement: PHOX2B is on the minus strand). VCF-style: chr4-41745952-C-T. GRCh37 (hg19) VCF-style: chr4-41747969-C-T.
Other names: short protein forms G267E.
Identifiers: ClinVar variation 5026589 (VCV005026589.1).